The following is an entry in ClinVar:

ClinVar aggregate classification (germline): Conflicting classifications of pathogenicity. Review status: criteria provided, conflicting classifications (1 of 4 stars). 6 submissions from 6 submitters: Uncertain significance (4); Likely benign (2). Last evaluated 2025-07-16.

Conditions:
Hereditary cancer-predisposing syndrome. Also called: Hereditary neoplastic syndrome; Neoplastic Syndromes, Hereditary; Tumor predisposition; Hereditary Cancer Syndrome. Identifiers: Orphanet 140162, MedGen C0027672, MeSH D009386, MONDO:0015356.
Hereditary breast ovarian cancer syndrome. Also called: Hereditary breast and ovarian cancer syndrome (HBOC); Breast and ovarian cancer; Hereditary breast and/or ovarian cancer syndrome; BRCA1- and BRCA2-Associated Hereditary Breast and Ovarian Cancer; Hereditary breast and ovarian cancer syndrome; Hereditary breast and ovarian cancer. Identifiers: Orphanet 145, MedGen C0677776, MeSH D061325, MONDO:0003582. Disease mechanism: loss of function.

Allele frequency attached by ClinVar (database versions not stated): gnomAD exomes 0.00001; gnomAD 0.00002 and 0.00003; TOPMed 0.00003.
gnomAD v4.1: 7 of 1,613,738 alleles (0.00043%); highest among the groups gnomAD compares: Admixed American, 0.01%; no homozygotes.

Submissions (6):

Labcorp Genetics (formerly Invitae), Labcorp
Classification: Uncertain significance for Hereditary breast ovarian cancer syndrome. Last evaluated: 2025-07-16. Review status: criteria provided, single submitter. Criteria: Invitae Variant Classification Sherloc (09022015). Collection method: clinical testing. Allele origin: germline.
Comment: This sequence change replaces glycine, which is neutral and non-polar, with arginine, which is basic and polar, at codon 834 of the BRCA1 protein (p.Gly834Arg). This variant is present in population databases (rs786202215, gnomAD 0.006%). This variant has not been reported in the literature in individuals affected with BRCA1-related conditions. ClinVar contains an entry for this variant (Variation ID: 185491). Invitae Evidence Modeling of protein sequence and biophysical properties (such as structural, functional, and spatial information, amino acid conservation, physicochemical variation, residue mobility, and thermodynamic stability) indicates that this missense variant is not expected to disrupt BRCA1 protein function with a negative predictive value of 80%. In summary, the available evidence is currently insufficient to determine the role of this variant in disease. Therefore, it has been classified as a Variant of Uncertain Significance.

Quest Diagnostics Nichols Institute San Juan Capistrano
Classification: Uncertain significance. Last evaluated: 2023-08-25. Review status: criteria provided, single submitter. Criteria: Quest Diagnostics criteria. Collection method: clinical testing. Allele origin: unknown.
Comment: In a large scale breast cancer association study, the variant was observed in an individual with breast cancer and not among unaffected control individuals (PMID: 33471991 (2021), see also LOVD). The frequency of this variant in the general population, 0.000008 (2/251008 chromosomes (Genome Aggregation Database)), is uninformative in the assessment of its pathogenicity. Analysis of this variant using bioinformatics tools for the prediction of the effect of amino acid changes on protein structure and function yielded predictions that this variant is benign. Based on the available information, we are unable to determine the clinical significance of this variant.

Color Diagnostics, LLC DBA Color Health
Classification: Uncertain significance for Hereditary cancer-predisposing syndrome. Last evaluated: 2023-06-20. Review status: criteria provided, single submitter. Criteria: ACMG Guidelines, 2015. Collection method: clinical testing. Allele origin: germline.
Comment: This missense variant replaces glycine with arginine at codon 834 of the BRCA1 protein. Computational prediction suggests that this variant may not impact protein structure and function (internally defined REVEL score threshold <= 0.5, PMID: 27666373). To our knowledge, functional studies have not been reported for this variant. This variant has been detected in a breast cancer case-control meta-analysis in 1/60466 cases and 0/53461 unaffected individuals (PMID: 33471991; Leiden Open Variation Database DB-ID BRCA1_005660). This variant has been identified in 2/251008 chromosomes in the general population by the Genome Aggregation Database (gnomAD). The available evidence is insufficient to determine the role of this variant in disease conclusively. Therefore, this variant is classified as a Variant of Uncertain Significance.

University of Washington Department of Laboratory Medicine, University of Washington
Classification: Likely benign for Hereditary cancer-predisposing syndrome. Last evaluated: 2023-03-23. Review status: criteria provided, single submitter. Criteria: Dines et al. (Genet Med. 2020). Collection method: curation. Allele origin: germline.
Comment: Missense variant in a coldspot region where missense variants are very unlikely to be pathogenic (PMID:31911673).

BRCA1 coldspot (exon 11 using historical exon numbering). Reclassification based on statistical prior probability

Ambry Genetics
Classification: Likely benign for Hereditary cancer-predisposing syndrome. Last evaluated: 2019-11-25. Review status: criteria provided, single submitter. Criteria: Ambry Variant Classification Scheme 2023. Collection method: clinical testing. Allele origin: germline.

Women's Health and Genetics/Laboratory Corporation of America, LabCorp
Classification: Uncertain significance. Last evaluated: 2017-02-09. Review status: criteria provided, single submitter. Criteria: LabCorp Variant Classification Summary - May 2015. Collection method: clinical testing. Allele origin: germline.
Comment: Variant summary: The BRCA1 c.2500G>C (p.Gly834Arg) variant involves the alteration of a non-conserved nucleotide and is predicted to be benign by 3/4 in silico tools (SNPs&GO not captured due to low reliability index). The variant is located outside of some commonly known domains in BRCA1 protein (InterPro, UniPro). This variant is absent in 121354 control chromosomes from ExAC. The variant of interest has not, to our knowledge, been reported in affected individuals via publications and/or reputable databases, nor evaluated for functional impact by in vivo/vitro studies. A clinical diagnostic laboratory has reported this variant once in an individual undergoing BRCA1/2 testing without evidence to independently evaluate and has classified the variant as uncertain significance. Based on the currently available information, this variant is classified as a variant of uncertain significance (VUS).

Literature cited by the submitters: PubMed 33471991 (cited by Quest Diagnostics Nichols Institute San Juan Capistrano and Color Diagnostics, LLC DBA Color Health).

NM_007294.4(BRCA1):c.2500G>C (p.Gly834Arg)

Gene: BRCA1 (BRCA1 DNA repair associated; minus strand). Cytogenetic location: 17q21.31.
Variant type: single nucleotide variant.
Coding change: c.2500G>C on transcript NM_007294.4 (MANE Select); coding-DNA position 2500, G replaced by C.
Protein change: p.Gly834Arg; replaces glycine 834 with arginine.
Molecular consequence: missense variant. On other transcripts: intron variant (137).
Genome position (GRCh38, 1-based): chr17:43,093,031, C>G on the plus strand (G>C on the coding strand, the complement: BRCA1 is on the minus strand). VCF-style: chr17-43093031-C-G. GRCh37 (hg19) VCF-style: chr17-41245048-C-G.
Other names: c.2374G>C, p.Gly792Arg (NM_001407685.1, NM_001407686.1, NM_001407687.1 and 11 more transcripts); c.2359G>C, p.Gly787Arg (NM_001407692.1, NM_001407694.1, NM_001407695.1 and 29 more transcripts); c.2356G>C, p.Gly786Arg (NM_001407740.1, NM_001407741.1, NM_001407742.1 and 20 more transcripts); c.2287G>C, p.Gly763Arg (NM_001407853.1, NM_001407571.1, NM_001407894.1 and 9 more transcripts); c.2500G>C, p.Gly834Arg (NM_001407854.1, NM_001407858.1, NM_001407859.1 and 30 more transcripts); c.2497G>C, p.Gly833Arg (NM_001407860.1, NM_001407861.1, NM_001407587.1 and 22 more transcripts); c.2299G>C, p.Gly767Arg (NM_001407862.1); c.2377G>C, p.Gly793Arg (NM_001407863.1, NM_001407919.1, NM_001407648.1 and 19 more transcripts); and 41 more; short protein forms G834R, G787R, G764R, G767R, G808R, G722R, G745R, G746R.
Identifiers: ClinVar variation 185491 (VCV000185491.23), dbSNP rs786202215, ClinGen allele CA001658.